The following is an entry in ClinVar:

ClinVar aggregate classification (germline): Benign (3 of 4 stars; one submission).

Conditions:
Breast-ovarian cancer, familial, susceptibility to, 1 (BROVCA1). Also called: BRCA1 Hereditary Breast and Ovarian Cancer; OVARIAN CANCER, SUSCEPTIBILITY TO. Identifiers: Orphanet 145, MedGen C2676676, MONDO:0011450, OMIM 604370. Disease mechanism: loss of function.

Submission:

Evidence-based Network for the Interpretation of Germline Mutant Alleles (ENIGMA)
Classification: Benign for Breast-ovarian cancer, familial 1. Last evaluated: 2015-01-12. Review status: reviewed by expert panel. Criteria: ENIGMA BRCA1/2 Classification Criteria (2015). Collection method: curation. Allele origin: germline.
Comment: Class 1 not pathogenic based on frequency >1% in an outbred sampleset. Frequency 0.05 (European), derived from 1000 genomes (2012-04-30).

NM_007294.4(BRCA1):c.5332+454del

Gene: BRCA1 (BRCA1 DNA repair associated; minus strand). Cytogenetic location: 17q21.31.
Variant type: Deletion.
Coding change: c.5332+454del on transcript NM_007294.4 (MANE Select); 454 bases into the intron after coding-DNA position 5332, one base deleted (T; older notation c.5332+454delT).
Molecular consequence: intron variant.
Genome position (GRCh38, 1-based): chr17:43,050,609, A deleted on the plus strand (T on the coding strand, the reverse complement: BRCA1 is on the minus strand); the first of 9 consecutive A bases (chr17:43,050,609-43,050,617); deleting any one gives the same sequence. VCF-style (leftmost placement, unchanged base first): chr17-43050608-CA-C. GRCh37 (hg19) VCF-style: chr17-41202625-CA-C.
Other names: IVS 21+454del; c.1879+454del (NM_001408458.1, NM_001408461.1, NM_001408464.1 and 7 more transcripts); c.4441+454del (NM_001407967.1); c.4951+454del (NM_001407959.1); c.5065+454del (NM_001407931.1, NM_001407932.1, NM_001407928.1 and 4 more transcripts); c.5188+454del (NM_001407747.1, NM_001407745.1, NM_001407737.1 and 21 more transcripts); c.4948+454del (NM_001407962.1, NM_001407960.1); c.1519+454del (NM_001408512.1); and 75 more.
Identifiers: ClinVar variation 209255 (VCV000209255.2), dbSNP rs35805899, ClinGen allele CA276227.